The following is an entry in ClinVar:

ClinVar aggregate classification (germline): Pathogenic (1 of 4 stars; one submission).

Conditions:
Carnitine palmitoyl transferase 1A deficiency. Also called: CPT deficiency, hepatic, type IA; Carnitine palmitoyltransferase type I deficiency; CPT I DEFICIENCY; CPT DEFICIENCY, HEPATIC, TYPE I; Carnitine palmitoyltransferase 1A deficiency. Identifiers: Orphanet 156, MedGen C1829703, MONDO:0009705, OMIM 255120.

Submission:

Myriad Genetics, Inc.
Classification: Pathogenic for Carnitine palmitoyl transferase 1A deficiency. Last evaluated: 2023-11-02. Review status: criteria provided, single submitter. Criteria: Myriad Autosomal Dominant, Autosomal Recessive and X-Linked Classification Criteria (2023). Collection method: clinical testing. Allele origin: unknown.
Comment: NM_001876.3(CPT1A):c.1273_1274insTG(E425Vfs*107) is expected to be pathogenic in the context of carnitine palmitoyltransferase IA deficiency. This variant is predicted to lead to an abnormal or absent protein product due to the creation of a premature termination codon in CPT1A, a gene where loss-of-function variants are known to be pathogenic. Please note: this variant was assessed in the context of healthy population screening.

NM_001876.4(CPT1A):c.1273_1274insTG (p.Glu425fs)

Genes: CPT1A (carnitine palmitoyltransferase 1A; minus strand), LOC126861244 (BRD4-independent group 4 enhancer GRCh37_chr11:68549035-68550234; plus strand). Cytogenetic location: 11q13.3.
Variant type: Insertion.
Coding change: c.1273_1274insTG on transcript NM_001876.4 (MANE Select); coding-DNA positions 1273 to 1274, TG inserted.
Protein change: p.Glu425fs; shifts the reading frame from glutamic acid 425.
Molecular consequence: frameshift variant.
Genome position: GRCh38 VCF-style: chr11-68781849-T-TCA. GRCh37 (hg19) VCF-style: chr11-68549317-T-TCA.
Other names: c.1273_1274insTG, p.Glu425fs (NM_001031847.3, NM_001440358.1, NM_001440359.1 and 3 more transcripts); c.1165_1166insTG, p.Glu389fs (NM_001440363.1); c.1087_1088insTG, p.Glu363fs (NM_001440365.1); short protein forms E363fs, E389fs, E425fs.
Identifiers: ClinVar variation 5012453 (VCV005012453.1).